The following is an entry in ClinVar:

NM_002838.5(PTPRC):c.248C>T (p.Thr83Ile)

Gene: PTPRC (protein tyrosine phosphatase receptor type C; plus strand). Cytogenetic location: 1q31.3.
Variant type: single nucleotide variant.
Coding change: c.248C>T on transcript NM_002838.5 (MANE Select); coding-DNA position 248, C replaced by T.
Protein change: p.Thr83Ile; replaces threonine 83 with isoleucine.
Molecular consequence: missense variant. On other transcripts: intron variant (1).
Genome position (GRCh38, 1-based): chr1:198,696,859, C>T. VCF-style: chr1-198696859-C-T. GRCh37 (hg19) VCF-style: chr1-198665988-C-T.
Other names: c.242C>T (NM_002838.3); c.100+4486C>T (NM_080921.4); short protein forms T83I.
Identifiers: ClinVar variation 1384148 (VCV001384148.10), dbSNP rs375051221, ClinGen allele CA1314436.

ClinVar aggregate classification (germline): Uncertain significance. Review status: criteria provided, multiple submitters, no conflicts (2 of 4 stars). 4 submissions from 4 submitters: Uncertain significance (4). Last evaluated 2025-04-13.

Conditions:
Immunodeficiency 104. Also called: Severe combined immunodeficiency, autosomal recessive, T cell-negative, B cell-positive, NK cell-positive; Severe Combined Immune Deficiency, Autosomal Recessive, TCell -Negative, B Cell-Positive, NK Cell-Positive, IL7R-Related; SCID, AUTOSOMAL RECESSIVE, T CELL-NEGATIVE, B CELL-POSITIVE, NK CELL-POSITIVE; IMMUNODEFICIENCY 104, SEVERE COMBINED. Identifiers: MedGen C5676890, MONDO:0012163, OMIM 608971.
Hepatitis C virus, susceptibility to. Also called: HCV, SUSCEPTIBILITY TO. Identifiers: MedGen C1835407, MONDO:0012292, OMIM 609532.
Inborn genetic diseases. Identifiers: MedGen C0950123, MeSH D030342.

Allele frequency attached by ClinVar (database versions not stated): gnomAD exomes 0.00001 and 0.00008; gnomAD 0.00002 and 0.00003; TOPMed 0.00002; ExAC 0.00010; 1000 Genomes Project 30x 0.00016; 1000 Genomes Project 0.00020.
gnomAD v4.1: 26 of 1,614,086 alleles (0.0016%); highest among the groups gnomAD compares: East Asian, 0.045%; no homozygotes.

Submissions (4):

Ambry Genetics
Classification: Uncertain significance for Inborn genetic diseases. Last evaluated: 2025-04-13. Review status: criteria provided, single submitter. Criteria: Ambry Variant Classification Scheme 2023. Collection method: clinical testing. Allele origin: germline.

Labcorp Genetics (formerly Invitae), Labcorp
Classification: Uncertain significance for Immunodeficiency 104. Last evaluated: 2024-10-25. Review status: criteria provided, single submitter. Criteria: Invitae Variant Classification Sherloc (09022015). Collection method: clinical testing. Allele origin: germline.
Comment: This sequence change replaces threonine, which is neutral and polar, with isoleucine, which is neutral and non-polar, at codon 83 of the PTPRC protein (p.Thr83Ile). This variant is present in population databases (rs375051221, gnomAD 0.09%). This variant has not been reported in the literature in individuals affected with PTPRC-related conditions. ClinVar contains an entry for this variant (Variation ID: 1384148). An algorithm developed to predict the effect of missense changes on protein structure and function (PolyPhen-2) suggests that this variant¬†is likely to be tolerated. In summary, the available evidence is currently insufficient to determine the role of this variant in disease. Therefore, it has been classified as a Variant of Uncertain Significance.

Blueprint Genetics
Classification: Uncertain significance. Last evaluated: 2022-01-26. Review status: criteria provided, single submitter. Criteria: ACMG Guidelines, 2015. Collection method: clinical testing. Allele origin: germline.

Fulgent Genetics
Classification: Uncertain significance for Immunodeficiency 104; Hepatitis C virus, susceptibility to. Last evaluated: 2021-07-23. Review status: criteria provided, single submitter. Criteria: ACMG Guidelines, 2015. Collection method: clinical testing. Allele origin: unknown.